The following is an entry in ClinVar:

NM_005422.4(TECTA):c.2506C>T (p.Arg836Trp)

Genes: TBCEL-TECTA (TBCEL-TECTA readthrough; plus strand), TECTA (tectorin alpha; plus strand), LOC126861365 (P300/CBP strongly-dependent group 1 enhancer GRCh37_chr11:121000154-121001353; plus strand). Cytogenetic location: 11q23.3.
Variant type: single nucleotide variant.
Coding change: c.2506C>T on transcript NM_005422.4 (MANE Select); coding-DNA position 2506, C replaced by T.
Protein change: p.Arg836Trp; replaces arginine 836 with tryptophan.
Molecular consequence: missense variant.
Genome position (GRCh38, 1-based): chr11:121,129,776, C>T. VCF-style: chr11-121129776-C-T. GRCh37 (hg19) VCF-style: chr11-121000485-C-T.
Other names: c.2506C>T (NM_005422.2); c.3463C>T, p.Arg1155Trp (NM_001378761.1); short protein forms R1155W, R836W.
Identifiers: ClinVar variation 4740075 (VCV004740075.2).

ClinVar aggregate classification (germline): Uncertain significance. Review status: criteria provided, multiple submitters, no conflicts (2 of 4 stars). 2 submissions from 2 submitters: Uncertain significance (2). Last evaluated 2025-12-15.

Conditions:
Inborn genetic diseases. Identifiers: MedGen C0950123, MeSH D030342.

gnomAD v4.1: 36 of 1,614,012 alleles (0.0022%); highest among the groups gnomAD compares: Admixed American, 0.005%; no homozygotes.

Submissions (2):

Ambry Genetics
Classification: Uncertain significance for Inborn genetic diseases. Last evaluated: 2025-12-15. Review status: criteria provided, single submitter. Criteria: Ambry Variant Classification Scheme 2023. Collection method: clinical testing. Allele origin: germline.

Labcorp Genetics (formerly Invitae), Labcorp
Classification: Uncertain significance. Last evaluated: 2025-10-01. Review status: criteria provided, single submitter. Criteria: Invitae Variant Classification Sherloc (09022015). Collection method: clinical testing. Allele origin: germline.
Comment: This sequence change replaces arginine, which is basic and polar, with tryptophan, which is neutral and slightly polar, at codon 836 of the TECTA protein (p.Arg836Trp). This variant is present in population databases (rs757893676, gnomAD 0.009%). This variant has not been reported in the literature in individuals affected with TECTA-related conditions. Invitae Evidence Modeling of protein sequence and biophysical properties (such as structural, functional, and spatial information, amino acid conservation, physicochemical variation, residue mobility, and thermodynamic stability) indicates that this missense variant is not expected to disrupt TECTA protein function with a negative predictive value of 95%. In summary, the available evidence is currently insufficient to determine the role of this variant in disease. Therefore, it has been classified as a Variant of Uncertain Significance.